The following is an entry in ClinVar:

NM_001375567.1(FOCAD):c.1272A>G (p.Val424=)

Gene: FOCAD (focadhesin; plus strand). Cytogenetic location: 9p21.3.
Variant type: single nucleotide variant.
Coding change: c.1272A>G on transcript NM_001375567.1 (MANE Select); coding-DNA position 1272, A replaced by G.
Protein change: p.Val424=; no amino-acid change (valine 424 retained).
Molecular consequence: synonymous variant.
Genome position (GRCh38, 1-based): chr9:20,789,425, A>G. VCF-style: chr9-20789425-A-G. GRCh37 (hg19) VCF-style: chr9-20789424-A-G.
Other names: c.1272A>G, p.Val424= (NM_001375568.1, NM_017794.5); c.1167A>G, p.Val389= (NM_001375570.1).
Identifiers: ClinVar variation 732973 (VCV000732973.12), dbSNP rs75184203, ClinGen allele CA5006666.

ClinVar aggregate classification (germline): Benign/Likely benign. Review status: criteria provided, multiple submitters, no conflicts (2 of 4 stars). 3 submissions from 3 submitters: Benign (1); Likely benign (1). 1 of the submissions does not count toward it. Last evaluated 2026-02-01.

Conditions:
FOCAD-related disorder. Also called: FOCAD-related condition.

Allele frequency attached by ClinVar (database versions not stated): gnomAD exomes 0.00018 and 0.00058; ExAC 0.00059; 1000 Genomes Project 0.00120; 1000 Genomes Project 30x 0.00125; ESP Exome Variant Server 0.00192; gnomAD 0.00208 and 0.00225; TOPMed 0.00232.
gnomAD v4.1: 573 of 1,614,038 alleles (0.036%); highest among the groups gnomAD compares: African/African-American, 0.67%; 2 homozygotes.

Submissions (3):

CeGaT Center for Human Genetics Tuebingen
Classification: Likely benign. Last evaluated: 2026-02-01. Review status: criteria provided, single submitter. Criteria: CeGaT Center For Human Genetics Tuebingen Variant Classification Criteria Version 2. Collection method: clinical testing. Allele origin: germline. Affected: yes. Observed: 1 variant allele.
Comment: FOCAD: BP4, BP7

Labcorp Genetics (formerly Invitae), Labcorp
Classification: Benign. Last evaluated: 2026-01-18. Review status: criteria provided, single submitter. Criteria: Invitae Variant Classification Sherloc (09022015). Collection method: clinical testing. Allele origin: germline.

PreventionGenetics, part of Exact Sciences
Classification: Likely benign for FOCAD-related condition. Last evaluated: 2019-03-23. Review status: no assertion criteria provided. Collection method: clinical testing. Allele origin: germline. Not counted in ClinVar's aggregate classification.
Comment: This variant is classified as likely benign based on ACMG/AMP sequence variant interpretation guidelines (Richards et al. 2015 PMID: 25741868, with internal and published modifications).